The following is an entry in ClinVar:

ClinVar aggregate classification (germline): Uncertain significance. Review status: criteria provided, multiple submitters, no conflicts (2 of 4 stars). 2 submissions from 2 submitters: Uncertain significance (2). Last evaluated 2022-08-20.

Conditions:
Inborn genetic diseases. Identifiers: MedGen C0950123, MeSH D030342.

Allele frequency attached by ClinVar (database versions not stated): TOPMed 0.00001; ExAC 0.00002; gnomAD 0.00002; gnomAD exomes 0.00002; 1000 Genomes Project 0.00020; 1000 Genomes Project 30x 0.00031.
gnomAD v4.1: 13 of 1,614,084 alleles (0.00081%); highest among the groups gnomAD compares: East Asian, 0.029%; no homozygotes.

Submissions (2):

Labcorp Genetics (formerly Invitae), Labcorp
Classification: Uncertain significance. Last evaluated: 2022-08-20. Review status: criteria provided, single submitter. Criteria: Invitae Variant Classification Sherloc (09022015). Collection method: clinical testing. Allele origin: germline.
Comment: This sequence change replaces glutamic acid, which is acidic and polar, with glycine, which is neutral and non-polar, at codon 1417 of the PCNT protein (p.Glu1417Gly). This variant is present in population databases (rs201444625, gnomAD 0.02%). This variant has not been reported in the literature in individuals affected with PCNT-related conditions. Algorithms developed to predict the effect of missense changes on protein structure and function are either unavailable or do not agree on the potential impact of this missense change (SIFT: "Deleterious"; PolyPhen-2: "Possibly Damaging"; Align-GVGD: "Class C0"). In summary, the available evidence is currently insufficient to determine the role of this variant in disease. Therefore, it has been classified as a Variant of Uncertain Significance.

Ambry Genetics
Classification: Uncertain significance for Inborn genetic diseases. Last evaluated: 2022-05-27. Review status: criteria provided, single submitter. Criteria: Ambry Variant Classification Scheme 2023. Collection method: clinical testing. Allele origin: germline.

NM_006031.6(PCNT):c.4250A>G (p.Glu1417Gly)

Gene: PCNT (pericentrin; plus strand). Cytogenetic location: 21q22.3.
Variant type: single nucleotide variant.
Coding change: c.4250A>G on transcript NM_006031.6 (MANE Select); coding-DNA position 4250, A replaced by G.
Protein change: p.Glu1417Gly; replaces glutamic acid 1417 with glycine.
Molecular consequence: missense variant.
Genome position (GRCh38, 1-based): chr21:46,397,298, A>G. VCF-style: chr21-46397298-A-G. GRCh37 (hg19) VCF-style: chr21-47817212-A-G.
Other names: c.3896A>G, p.Glu1299Gly (NM_001315529.2); short protein forms E1299G, E1417G.
Identifiers: ClinVar variation 1937054 (VCV001937054.3), dbSNP rs201444625, ClinGen allele CA10079589.
Genomic context (GRCh38, chr21:46,397,298, plus strand): 5'-CCGTGTCTGTCCTGTTTGCATCCTTAGCTCTCCGGAAGGAAGTGGAGGATCTGACCAAAG[A>G]ACAGTCGGAGACCAGGAAGCAGGCTGAGAAGGACCGCTCAGCCCTGCTCTCCCAGATGAA-3'
Protein context (NP_006022.3, residues 1407-1427): LRKEVEDLTK[Glu1417Gly]QSETRKQAEK